The following is an entry in ClinVar:

ClinVar aggregate classification (germline): Uncertain significance (1 of 4 stars; one submission).

Allele frequency attached by ClinVar (database versions not stated): ExAC below 0.00001; TOPMed 0.00001.
gnomAD v4.1: 19 of 1,577,556 alleles (0.0012%); highest among the groups gnomAD compares: Admixed American, 0.0037%; no homozygotes.

Submission:

Labcorp Genetics (formerly Invitae), Labcorp
Classification: Uncertain significance. Last evaluated: 2023-07-02. Review status: criteria provided, single submitter. Criteria: Invitae Variant Classification Sherloc (09022015). Collection method: clinical testing. Allele origin: germline.
Comment: In summary, the available evidence is currently insufficient to determine the role of this variant in disease. Therefore, it has been classified as a Variant of Uncertain Significance. Experimental studies have shown that this missense change does not substantially affect CFAP298 function (PMID: 24094744). An algorithm developed to predict the effect of missense changes on protein structure and function (PolyPhen-2) suggests that this variant¬†is likely to be tolerated. ClinVar contains an entry for this variant (Variation ID: 454930). This missense change has been observed in individual(s) with primary ciliary dyskinesia (PMID: 24094744). The frequency data for this variant in the population databases is considered unreliable, as metrics indicate poor data quality at this position in the gnomAD database. This sequence change replaces arginine, which is basic and polar, with tryptophan, which is neutral and slightly polar, at codon 33 of the CFAP298 protein (p.Arg33Trp).

Literature cited by the submitters: PubMed 24094744.

NM_021254.4(CFAP298):c.97C>T (p.Arg33Trp)

Genes: CFAP298-TCP10L (CFAP298-TCP10L readthrough; minus strand), CFAP298 (cilia and flagella associated protein 298; minus strand). Cytogenetic location: 21q22.11.
Variant type: single nucleotide variant.
Coding change: c.97C>T on transcript NM_021254.4 (MANE Select); coding-DNA position 97, C replaced by T.
Protein change: p.Arg33Trp; replaces arginine 33 with tryptophan.
Molecular consequence: missense variant. On other transcripts: non-coding transcript variant (2), 5 prime UTR variant (1).
Genome position (GRCh38, 1-based): chr21:32,612,147, G>A on the plus strand (C>T on the coding strand, the complement: CFAP298 is on the minus strand). VCF-style: chr21-32612147-G-A. GRCh37 (hg19) VCF-style: chr21-33984457-G-A.
Other names: c.97C>T, p.Arg33Trp (NM_001350338.2, NM_001350335.2, NM_001350336.2 and 1 more transcripts); c.-133C>T (NM_001350334.2); short protein forms R33W.
Identifiers: ClinVar variation 454930 (VCV000454930.8), dbSNP rs753786167, ClinGen allele CA10002980.
Genomic context (GRCh38, chr21:32,612,147, plus strand): 5'-CCCACCCGCGAGCCGCACCTGAGCAGAGGCGCTGCACCTTGAGCCGCCCATTATAGACCC[G>A]GGCCACCTGCACCGTGAGCTCCTCCAGCTCGGTACTCCCAGGCGCCTGCAGCAGGAACTG-3'
Protein context (NP_067077.1, residues 23-43): ELEELTVQVA[Arg33Trp]VYNGRLKVQR